The following is an entry in ClinVar:

ClinVar aggregate classification (germline): Uncertain significance (1 of 4 stars; one submission).

Conditions:
Seizures, benign familial infantile, 3 (BFIS3). Also called: Familial neonatal seizures; CONVULSIONS, BENIGN FAMILIAL INFANTILE, 3. Identifiers: Orphanet 140927, Orphanet 306, MedGen C1843140, MONDO:0011904, OMIM 607745.
Developmental and epileptic encephalopathy, 11 (DEE11). Also called: Early infantile epileptic encephalopathy 11. Identifiers: Orphanet 1934, MedGen C3150987, MONDO:0013388, OMIM 613721.

gnomAD v4.1: 1 of 1,614,192 alleles (0.000062%); highest among the groups gnomAD compares: Non-Finnish European, 0.000085%; no homozygotes.

Submission:

Labcorp Genetics (formerly Invitae), Labcorp
Classification: Uncertain significance for Seizures, benign familial infantile, 3; Developmental and epileptic encephalopathy, 11. Last evaluated: 2025-12-03. Review status: criteria provided, single submitter. Criteria: Invitae Variant Classification Sherloc (09022015). Collection method: clinical testing. Allele origin: germline.
Comment: This sequence change replaces isoleucine, which is neutral and non-polar, with valine, which is neutral and non-polar, at codon 587 of the SCN2A protein (p.Ile587Val). This variant is not present in population databases (gnomAD no frequency). This variant has not been reported in the literature in individuals affected with SCN2A-related conditions. ClinVar contains an entry for this variant (Variation ID: 1512756). Invitae Evidence Modeling of protein sequence and biophysical properties (such as structural, functional, and spatial information, amino acid conservation, physicochemical variation, residue mobility, and thermodynamic stability) indicates that this missense variant is not expected to disrupt SCN2A protein function with a negative predictive value of 95%. In summary, the available evidence is currently insufficient to determine the role of this variant in disease. Therefore, it has been classified as a Variant of Uncertain Significance.

NM_001040142.2(SCN2A):c.1759A>G (p.Ile587Val)

Gene: SCN2A (sodium voltage-gated channel alpha subunit 2; plus strand). Cytogenetic location: 2q24.3.
Variant type: single nucleotide variant.
Coding change: c.1759A>G on transcript NM_001040142.2 (MANE Select); coding-DNA position 1759, A replaced by G.
Protein change: p.Ile587Val; replaces isoleucine 587 with valine.
Molecular consequence: missense variant.
Genome position (GRCh38, 1-based): chr2:165,323,243, A>G. VCF-style: chr2-165323243-A-G. GRCh37 (hg19) VCF-style: chr2-166179753-A-G.
Other names: c.1759A>G, p.Ile587Val (NM_001040143.2, NM_001371246.1, NM_001371247.1 and 1 more transcripts); short protein forms I587V.
Identifiers: ClinVar variation 1512756 (VCV001512756.8), dbSNP rs148275498, ClinGen allele CA349026631.